The following is an entry in ClinVar:

NM_000219.6(KCNE1):c.374C>A (p.Thr125Lys)

Gene: KCNE1 (potassium voltage-gated channel subfamily E regulatory subunit 1; minus strand). Cytogenetic location: 21q22.12.
Variant type: single nucleotide variant.
Coding change: c.374C>A on transcript NM_000219.6 (MANE Select); coding-DNA position 374, C replaced by A.
Protein change: p.Thr125Lys; replaces threonine 125 with lysine.
Molecular consequence: missense variant.
Genome position (GRCh38, 1-based): chr21:34,449,261, G>T on the plus strand (C>A on the coding strand, the complement: KCNE1 is on the minus strand). VCF-style: chr21-34449261-G-T. GRCh37 (hg19) VCF-style: chr21-35821559-G-T.
Other names: c.374C>A, p.Thr125Lys (NM_001127668.4, NM_001127669.4, NM_001127670.4 and 4 more transcripts); short protein forms T125K.
Identifiers: ClinVar variation 3373852 (VCV003373852.2).

Conditions:
Long QT syndrome 5 (LQT5). Identifiers: Orphanet 101016, Orphanet 768, MedGen C1867904, MONDO:0013372, OMIM 613695.

Submission:

Roden Lab, Vanderbilt University Medical Center
No classification provided (evidence only). Condition: Long QT syndrome 5. Review status: no classification provided. Collection method: in vitro. Allele origin: not applicable. Functional consequence: Effect on ion channel function.
ClinVar note: "not provided" was previously submitted as the classification for the variant. However, the classification appeared to be based only on an observation of functional data so it was converted to no classification on 2025-07-30.